The following is an entry in ClinVar:

NM_001127208.3(TET2):c.412C>A (p.Gln138Lys)

Genes: TET2 (tet methylcytosine dioxygenase 2; plus strand), TET2-AS1 (TET2 antisense RNA 1; minus strand). Cytogenetic location: 4q24.
Variant type: single nucleotide variant.
Coding change: c.412C>A on transcript NM_001127208.3 (MANE Select); coding-DNA position 412, C replaced by A.
Protein change: p.Gln138Lys; replaces glutamine 138 with lysine.
Molecular consequence: missense variant.
Genome position (GRCh38, 1-based): chr4:105,234,354, C>A. VCF-style: chr4-105234354-C-A. GRCh37 (hg19) VCF-style: chr4-106155511-C-A.
Other names: c.412C>A, p.Gln138Lys (NM_017628.4); short protein forms Q138K.
Identifiers: ClinVar variation 5030768 (VCV005030768.1).

ClinVar aggregate classification (germline): Uncertain significance (1 of 4 stars; one submission).

Submission:

Ambry Genetics
Classification: Uncertain significance. Last evaluated: 2026-08-27. Review status: criteria provided, single submitter. Criteria: Ambry Variant Classification Scheme 2023. Collection method: clinical testing. Allele origin: germline.
Comment: The p.Q138K variant (also known as c.412C>A), located in coding exon 1 of the TET2 gene, results from a C to A substitution at nucleotide position 412. The glutamine at codon 138 is replaced by lysine, an amino acid with similar properties. This amino acid position is conserved. In addition, this alteration is predicted to be tolerated by in silico analysis. Based on the available evidence, the clinical significance of this variant remains unclear.